The following is an entry in ClinVar:

NM_001020658.2(PUM1):c.179C>G (p.Thr60Ser)

Gene: PUM1 (pumilio RNA binding family member 1; minus strand). Cytogenetic location: 1p35.2.
Variant type: single nucleotide variant.
Coding change: c.179C>G on transcript NM_001020658.2 (MANE Select); coding-DNA position 179, C replaced by G.
Protein change: p.Thr60Ser; replaces threonine 60 with serine.
Molecular consequence: missense variant.
Genome position (GRCh38, 1-based): chr1:31,059,388, G>C on the plus strand (C>G on the coding strand, the complement: PUM1 is on the minus strand). VCF-style: chr1-31059388-G-C. GRCh37 (hg19) VCF-style: chr1-31532235-G-C.
Other names: c.179C>G, p.Thr60Ser (NM_014676.3); short protein forms T60S.
Identifiers: ClinVar variation 2575597 (VCV002575597.2), dbSNP rs2522368829, ClinGen allele CA339572668.
Genomic context (GRCh38, chr1:31,059,388, plus strand): 5'-ATAGCGTCGTCCTGGGAACGGCCTGCAACTCCTATAGATCCTGGGACAGGGCTGGAGTGA[G>C]TCCCAGCTGCAAGAGCCTGATTTGCAGCTGGTTGTGGCTGCGCTTGCGACCCTGTTCCAG-3'
Protein context (NP_001018494.1, residues 50-70): PAANQALAAG[Thr60Ser]HSSPVPGSIG

ClinVar aggregate classification (germline): Uncertain significance (1 of 4 stars; one submission).

Submission:

GeneDx
Classification: Uncertain significance. Last evaluated: 2025-05-02. Review status: criteria provided, single submitter. Criteria: GeneDx Variant Classification Process June 2021. Collection method: clinical testing. Allele origin: germline. Affected: yes.
Comment: Not observed at significant frequency in large population cohorts (gnomAD); In silico analysis supports that this missense variant has a deleterious effect on protein structure/function; Has not been previously published as pathogenic or benign to our knowledge